The following is an entry in ClinVar:

NM_006206.6(PDGFRA):c.1751C>T (p.Ser584Leu)

Gene: PDGFRA (platelet derived growth factor receptor alpha; plus strand). Cytogenetic location: 4q12.
Variant type: single nucleotide variant.
Coding change: c.1751C>T on transcript NM_006206.6 (MANE Select); coding-DNA position 1751, C replaced by T.
Protein change: p.Ser584Leu; replaces serine 584 with leucine.
Molecular consequence: missense variant.
Genome position (GRCh38, 1-based): chr4:54,274,938, C>T. VCF-style: chr4-54274938-C-T. GRCh37 (hg19) VCF-style: chr4-55141105-C-T.
Other names: c.1751C>T, p.Ser584Leu (NM_001347827.2, NM_001347829.2); c.1826C>T, p.Ser609Leu (NM_001347828.2); c.1790C>T, p.Ser597Leu (NM_001347830.2); short protein forms S609L, S584L, S597L.
Identifiers: ClinVar variation 1926655 (VCV001926655.5), dbSNP rs2110300459, ClinGen allele CA356893235.

ClinVar aggregate classification (germline): Uncertain significance (1 of 4 stars; one submission).

Conditions:
Gastrointestinal stromal tumor. Also called: Gastrointestinal stromal tumor, somatic; Gastrointestinal stroma tumor. Identifiers: Orphanet 44890, MedGen C0238198, MeSH D046152, MONDO:0011719, OMIM 606764, HP:0100723.

Submission:

Labcorp Genetics (formerly Invitae), Labcorp
Classification: Uncertain significance for Gastrointestinal stromal tumor. Last evaluated: 2022-02-03. Review status: criteria provided, single submitter. Criteria: Invitae Variant Classification Sherloc (09022015). Collection method: clinical testing. Allele origin: germline.
Comment: This sequence change replaces serine, which is neutral and polar, with leucine, which is neutral and non-polar, at codon 584 of the PDGFRA protein (p.Ser584Leu). This variant is not present in population databases (gnomAD no frequency). This variant has not been reported in the literature in individuals affected with PDGFRA-related conditions. Algorithms developed to predict the effect of missense changes on protein structure and function are either unavailable or do not agree on the potential impact of this missense change (SIFT: "Tolerated"; PolyPhen-2: "Probably Damaging"; Align-GVGD: "Class C15"). In summary, the available evidence is currently insufficient to determine the role of this variant in disease. Therefore, it has been classified as a Variant of Uncertain Significance.